The following is an entry in ClinVar:

ClinVar aggregate classification (germline): Conflicting classifications of pathogenicity. Review status: criteria provided, conflicting classifications (1 of 4 stars). 5 submissions from 5 submitters: Uncertain significance (4); Likely benign (1). Last evaluated 2026-04-27.

Conditions:
APC-related disorder. Also called: APC-related condition.
Familial adenomatous polyposis 1 (FAP1). Also called: FAMILIAL ADENOMATOUS POLYPOSIS 1, ATTENUATED; POLYPOSIS, ADENOMATOUS INTESTINAL. Identifiers: MedGen C2713442, MONDO:0021056, OMIM 175100. Disease mechanism: loss of function.

Allele frequency attached by ClinVar (database versions not stated): ExAC 0.00008; gnomAD exomes 0.00004.
gnomAD v4.1: 14 of 1,370,238 alleles (0.001%); highest among the groups gnomAD compares: Non-Finnish European, 0.0011%; no homozygotes.

Submissions (5):

PreventionGenetics, part of Exact Sciences
Classification: Uncertain significance for APC-related condition. Last evaluated: 2026-04-27. Review status: criteria provided, single submitter. Criteria: ACMG Guidelines, 2015. Collection method: clinical testing. Allele origin: germline.
Comment: The APC c.133C>T variant is predicted to result in the amino acid substitution p.Arg45Cys. This variant is also known as c.133C>T (p.Arg45Cys) under the promoter 1B transcript NM_001127511. To our knowledge, this variant has not been reported in the literature. This variant is reported in 0.019% of alleles in individuals of European (Finnish) descent in gnomAD and has interpretations of uncertain significance and likely benign in ClinVar (Variation ID: 469789). At this time, the clinical significance of this variant is uncertain due to the absence of conclusive functional and genetic evidence.

Labcorp Genetics (formerly Invitae), Labcorp
Classification: Uncertain significance for Familial adenomatous polyposis 1. Last evaluated: 2026-02-03. Review status: criteria provided, single submitter. Criteria: Invitae Variant Classification Sherloc (09022015). Collection method: clinical testing. Allele origin: germline.
Comment: This variant occurs in a non-coding region of the APC gene. It does not change the encoded amino acid sequence of the APC protein. This variant is present in population databases (rs755954869, gnomAD 0.02%). This variant has not been reported in the literature in individuals affected with APC-related conditions. ClinVar contains an entry for this variant (Variation ID: 469789). Experimental studies and prediction algorithms are not available or were not evaluated, and the functional significance of this variant is currently unknown. In summary, the available evidence is currently insufficient to determine the role of this variant in disease. Therefore, it has been classified as a Variant of Uncertain Significance.

Dasa
Classification: Uncertain significance. Last evaluated: 2025-05-19. Review status: criteria provided, single submitter. Criteria: DASA Assertion Criteria. Collection method: clinical testing. Allele origin: germline.
Comment: NM_001127511.3(APC):c.133C>T (p.Arg45Cys) is a missense variant that results in the substitution of arginine with cysteine. This variant is rare in population databases. The currently available literature and clinical evidence are not sufficient to establish a definitive association between this variant and the reported condition. Therefore, this variant is classified as a variant of uncertain significance.

Center for Genomic Medicine, Rigshospitalet, Copenhagen University Hospital
Classification: Likely benign. Last evaluated: 2025-03-04. Review status: criteria provided, single submitter. Criteria: ACMG Guidelines, 2015. Collection method: clinical testing. Allele origin: germline.

MGZ Medical Genetics Center
Classification: Uncertain significance for Familial adenomatous polyposis 1. Last evaluated: 2022-07-11. Review status: criteria provided, single submitter. Criteria: ACMG Guidelines, 2015. Collection method: clinical testing. Allele origin: germline. Affected: yes. Observed: 1 variant allele.
Comment: ACMG criteria applied: PM2_SUP

NM_001127511.3(APC):c.133C>T (p.Arg45Cys)

Gene: APC (APC regulator of Wnt signaling pathway; plus strand). Cytogenetic location: 5q22.2.
Variant type: single nucleotide variant.
Coding change: c.133C>T on transcript NM_001127511.3; coding-DNA position 133, C replaced by T.
Protein change: p.Arg45Cys; replaces arginine 45 with cysteine.
Molecular consequence: missense variant. On other transcripts: 5 prime UTR variant (8), non-coding transcript variant (1), intron variant (5).
Genome position (GRCh38, 1-based): chr5:112,707,850, C>T. VCF-style: chr5-112707850-C-T. GRCh37 (hg19) VCF-style: chr5-112043547-C-T.
Other names: c.-51C>T (NM_001354895.2, NM_001407447.1, NM_001407452.1 and 3 more transcripts); c.133C>T, p.Arg45Cys (NM_001354897.2, NM_001354902.2, NM_001407446.1); c.-1086C>T (NM_001407470.1, NM_001407472.1); c.-19+201C>T (NM_001407448.1, NM_001407450.1, NM_001407457.1 and 1 more transcripts); c.-43+201C>T (NM_001407453.1); c.133C>T (NM_001354897.1); short protein forms R45C.
Identifiers: ClinVar variation 469789 (VCV000469789.18), dbSNP rs755954869, ClinGen allele CA053936.